The following is an entry in ClinVar:

NM_006231.4(POLE):c.1769T>G (p.Val590Gly)

Gene: POLE (DNA polymerase epsilon, catalytic subunit; minus strand). Cytogenetic location: 12q24.33.
Variant type: single nucleotide variant.
Coding change: c.1769T>G on transcript NM_006231.4 (MANE Select); coding-DNA position 1769, T replaced by G.
Protein change: p.Val590Gly; replaces valine 590 with glycine.
Molecular consequence: missense variant.
Genome position (GRCh38, 1-based): chr12:132,672,240, A>C on the plus strand (T>G on the coding strand, the complement: POLE is on the minus strand). VCF-style: chr12-132672240-A-C. GRCh37 (hg19) VCF-style: chr12-133248826-A-C.
Other names: short protein forms V590G.
Identifiers: ClinVar variation 1499908 (VCV001499908.8), dbSNP rs1593069291, ClinGen allele CA387356256.
Genomic context (GRCh38, chr12:132,672,240, plus strand): 5'-CACAGACTGGCTCTTCCTGCCTCCCTGATGGTTACCTCTTCAAAGTTGGTGACTTGCTCC[A>C]CAGGCACTTTCTCCTCTTCCTCAAGGGCGTGGCGCAAGGTCTTCTCAACCCGCTGCAGCA-3'
Protein context (NP_006222.2, residues 580-600): HALEEEEKVP[Val590Gly]EQVTNFEEVC

ClinVar aggregate classification (germline): Uncertain significance (1 of 4 stars; one submission).

Submission:

Labcorp Genetics (formerly Invitae), Labcorp
Classification: Uncertain significance. Last evaluated: 2023-03-22. Review status: criteria provided, single submitter. Criteria: Invitae Variant Classification Sherloc (09022015). Collection method: clinical testing. Allele origin: germline.
Comment: ClinVar contains an entry for this variant (Variation ID: 1499908). In summary, the available evidence is currently insufficient to determine the role of this variant in disease. Therefore, it has been classified as a Variant of Uncertain Significance. Advanced modeling of protein sequence and biophysical properties (such as structural, functional, and spatial information, amino acid conservation, physicochemical variation, residue mobility, and thermodynamic stability) performed at Invitae indicates that this missense variant is not expected to disrupt POLE protein function. This variant has not been reported in the literature in individuals affected with POLE-related conditions. This variant is not present in population databases (gnomAD no frequency). This sequence change replaces valine, which is neutral and non-polar, with glycine, which is neutral and non-polar, at codon 590 of the POLE protein (p.Val590Gly).